The following is an entry in ClinVar:

ClinVar aggregate classification (germline): Uncertain significance (1 of 4 stars; one submission).

Conditions:
Autosomal recessive limb-girdle muscular dystrophy type 2J (LGMDR10). Also called: Limb-girdle muscular dystrophy, type 2J; MUSCULAR DYSTROPHY, LIMB-GIRDLE, AUTOSOMAL RECESSIVE 10. Identifiers: Orphanet 140922, MedGen C1837342, MONDO:0012127, OMIM 608807.
Dilated cardiomyopathy 1G (CMD1G). Identifiers: Orphanet 154, MedGen C1858763, MONDO:0011400, OMIM 604145.

gnomAD v4.1: 1 of 1,613,668 alleles (0.000062%); highest among the groups gnomAD compares: Non-Finnish European, 0.000085%; no homozygotes.

Submission:

Labcorp Genetics (formerly Invitae), Labcorp
Classification: Uncertain significance for Dilated cardiomyopathy 1G; Autosomal recessive limb-girdle muscular dystrophy type 2J. Last evaluated: 2024-03-16. Review status: criteria provided, single submitter. Criteria: Invitae Variant Classification Sherloc (09022015). Collection method: clinical testing. Allele origin: germline.
Comment: This sequence change replaces isoleucine, which is neutral and non-polar, with valine, which is neutral and non-polar, at codon 35678 of the TTN protein (p.Ile35678Val). This variant is present in population databases (no rsID available, gnomAD 0.0009%). This variant has not been reported in the literature in individuals affected with TTN-related conditions. Experimental studies and prediction algorithms are not available or were not evaluated, and the functional significance of this variant is currently unknown. This variant is located in the M band of TTN (PMID: 25589632). Non-truncating variants in this region may be relevant for neuromuscular disorders, but have not been definitively shown to cause cardiomyopathy (PMID: 23975875). In summary, the available evidence is currently insufficient to determine the role of this variant in disease. Therefore, it has been classified as a Variant of Uncertain Significance.

Literature cited by the submitters: PubMed 25589632; PubMed 23975875.

NM_001267550.2(TTN):c.107032A>G (p.Ile35678Val)

Genes: TTN (titin; minus strand), TTN-AS1 (TTN antisense RNA 1; plus strand). Cytogenetic location: 2q31.2.
Variant type: single nucleotide variant.
Coding change: c.107032A>G on transcript NM_001267550.2 (MANE Select); coding-DNA position 107032, A replaced by G.
Protein change: p.Ile35678Val; replaces isoleucine 35678 with valine.
Molecular consequence: missense variant.
Genome position (GRCh38, 1-based): chr2:178,528,719, T>C on the plus strand (A>G on the coding strand, the complement: TTN is on the minus strand). VCF-style: chr2-178528719-T-C. GRCh37 (hg19) VCF-style: chr2-179393446-T-C.
Other names: c.102109A>G, p.Ile34037Val (NM_001256850.1); c.79837A>G, p.Ile26613Val (NM_003319.4); c.99328A>G, p.Ile33110Val (NM_133378.4); c.80212A>G, p.Ile26738Val (NM_133432.3); c.80413A>G, p.Ile26805Val (NM_133437.4); short protein forms I26613V, I26738V, I26805V, I33110V, I34037V, I35678V.
Identifiers: ClinVar variation 3750075 (VCV003750075.2).